The following is an entry in ClinVar:

NM_001127649.3(PEX26):c.254dup (p.Cys86fs)

Gene: PEX26 (peroxisomal biogenesis factor 26; plus strand). Cytogenetic location: 22q11.21.
Variant type: Duplication.
Coding change: c.254dup on transcript NM_001127649.3 (MANE Select); coding-DNA position 254, one base duplicated (T; older notation c.254dupT).
Protein change: p.Cys86fs; shifts the reading frame from cysteine 86.
Molecular consequence: frameshift variant.
Genome position (GRCh38, 1-based): chr22:18,079,897, T duplicated. VCF-style (leftmost placement, unchanged base first): chr22-18079896-C-CT. GRCh37 (hg19) VCF-style: chr22-18562662-C-CT.
Other names: c.254dup, p.Cys86fs (NM_001199319.2, NM_017929.6); short protein forms C86fs.
Identifiers: ClinVar variation 2158 (VCV000002158.6), dbSNP rs61752133, ClinGen allele CA115376.
Genomic context (GRCh38, chr22:18,079,896, plus strand): 5'-GAACCACTTCTAACTGAAATTGGTTTTTCTGCTGACAGCTCATTGGAGGTGAAGTGCTCC[C>CT]TGTGTGTTGTGGGGATCCAGGCCCTGGCAGAAATGGATCGGTGGCAAGAAGTCCTCTCCT-3'

ClinVar aggregate classification (germline): Pathogenic. Review status: criteria provided, multiple submitters, no conflicts (2 of 4 stars). 4 submissions from 3 submitters: Pathogenic (2). 2 of the submissions do not count toward it. Last evaluated 2024-03-09.

Conditions:
Peroxisome biogenesis disorder 7A (Zellweger). Also called: Peroxisome biogenesis disorder 7A. Identifiers: Orphanet 912, MedGen C3888385, MONDO:0013938, OMIM 614872.
Peroxisome biogenesis disorder 7B (PBD7B). Identifiers: Orphanet 44, MedGen C3553951, MONDO:0013939, OMIM 614873.

Allele frequency attached by ClinVar (database versions not stated): gnomAD exomes below 0.00001 and 0.00001; ExAC 0.00001; TOPMed 0.00001; ESP Exome Variant Server 0.00008.

Submissions (4):

Baylor Genetics
Classification: Pathogenic for Peroxisome biogenesis disorder 7A (Zellweger). Last evaluated: 2024-03-09. Review status: criteria provided, single submitter. Criteria: ACMG Guidelines, 2015. Collection method: clinical testing. Allele origin: unknown.

Labcorp Genetics (formerly Invitae), Labcorp
Classification: Pathogenic for Peroxisome biogenesis disorder 7A (Zellweger); Peroxisome biogenesis disorder 7B. Last evaluated: 2023-12-21. Review status: criteria provided, single submitter. Criteria: Invitae Variant Classification Sherloc (09022015). Collection method: clinical testing. Allele origin: germline.
Comment: This sequence change creates a premature translational stop signal (p.Cys86Valfs*29) in the PEX26 gene. It is expected to result in an absent or disrupted protein product. Loss-of-function variants in PEX26 are known to be pathogenic (PMID: 12851857, 21031596). This variant is present in population databases (rs779824948, gnomAD 0.0009%). This premature translational stop signal has been observed in individual(s) with Zellweger spectrum disorder (PMID: 12851857). ClinVar contains an entry for this variant (Variation ID: 2158). Algorithms developed to predict the effect of variants on protein structure and function are not available or were not evaluated for this variant. Experimental studies have shown that this premature translational stop signal affects PEX26 function (PMID: 12851857, 16257970). For these reasons, this variant has been classified as Pathogenic.

OMIM
Classification: Pathogenic for PEROXISOME BIOGENESIS DISORDER 7A (ZELLWEGER). Last evaluated: 2005-06-01. Review status: no assertion criteria provided. Collection method: literature only. Allele origin: germline. Not counted in ClinVar's aggregate classification.

OMIM
Classification: Pathogenic for PEROXISOME BIOGENESIS DISORDER 7B. Last evaluated: 2003-08-01. Review status: no assertion criteria provided. Collection method: literature only. Allele origin: germline. Not counted in ClinVar's aggregate classification.

Literature cited by the submitters: PubMed 12851857 (cited by Labcorp Genetics (formerly Invitae), Labcorp and OMIM); PubMed 21031596 (cited by Labcorp Genetics (formerly Invitae), Labcorp); PubMed 16257970 (cited by Labcorp Genetics (formerly Invitae), Labcorp); PubMed 15858711 (cited by OMIM).